The following is an entry in ClinVar:

NM_153676.4(USH1C):c.238C>G (p.Arg80Gly)

Gene: USH1C (USH1 protein network component harmonin; minus strand). Cytogenetic location: 11p15.1.
Variant type: single nucleotide variant.
Coding change: c.238C>G on transcript NM_153676.4 (MANE Select); coding-DNA position 238, C replaced by G.
Protein change: p.Arg80Gly; replaces arginine 80 with glycine.
Molecular consequence: missense variant. On other transcripts: non-coding transcript variant (1).
Genome position (GRCh38, 1-based): chr11:17,531,409, G>C on the plus strand (C>G on the coding strand, the complement: USH1C is on the minus strand). VCF-style: chr11-17531409-G-C. GRCh37 (hg19) VCF-style: chr11-17552956-G-C.
Other names: c.238C>G, p.Arg80Gly (NM_001297764.2, NM_005709.4); c.238C>G (NM_005709.3); short protein forms R80G.
Identifiers: ClinVar variation 505835 (VCV000505835.11), dbSNP rs774005703, ClinGen allele CA218465227.

ClinVar aggregate classification (germline): Uncertain significance. Review status: criteria provided, multiple submitters, no conflicts (2 of 4 stars). 5 submissions from 5 submitters: Uncertain significance (4). 1 of the submissions does not count toward it. Last evaluated 2024-07-02.

Conditions:
Inborn genetic diseases. Identifiers: MedGen C0950123, MeSH D030342.
Usher syndrome type 1C. Also called: USHER SYNDROME, TYPE I, ACADIAN VARIETY. Identifiers: Orphanet 231169, Orphanet 886, MedGen C1848604, MONDO:0010171, OMIM 276904.

Allele frequency attached by ClinVar (database versions not stated): TOPMed 0.00003.
gnomAD v4.1: 55 of 1,613,304 alleles (0.0034%); highest among the groups gnomAD compares: Admixed American, 0.023%; no homozygotes.

Submissions (5):

Blueprint Genetics
Classification: Uncertain significance. Last evaluated: 2024-07-02. Review status: criteria provided, single submitter. Criteria: ACMG Guidelines, 2015. Collection method: clinical testing. Allele origin: germline.

Ambry Genetics
Classification: Uncertain significance for Inborn genetic diseases. Last evaluated: 2024-01-16. Review status: criteria provided, single submitter. Criteria: Ambry Variant Classification Scheme 2023. Collection method: clinical testing. Allele origin: germline.

Labcorp Genetics (formerly Invitae), Labcorp
Classification: Uncertain significance. Last evaluated: 2022-07-27. Review status: criteria provided, single submitter. Criteria: Invitae Variant Classification Sherloc (09022015). Collection method: clinical testing. Allele origin: germline.
Comment: This sequence change replaces arginine, which is basic and polar, with glycine, which is neutral and non-polar, at codon 80 of the USH1C protein (p.Arg80Gly). This variant is present in population databases (no rsID available, gnomAD 0.01%). This variant has not been reported in the literature in individuals affected with USH1C-related conditions. ClinVar contains an entry for this variant (Variation ID: 505835). Algorithms developed to predict the effect of missense changes on protein structure and function are either unavailable or do not agree on the potential impact of this missense change (SIFT: "Deleterious"; PolyPhen-2: "Benign"; Align-GVGD: "Class C15"). In summary, the available evidence is currently insufficient to determine the role of this variant in disease. Therefore, it has been classified as a Variant of Uncertain Significance.

Laboratory for Molecular Medicine, Mass General Brigham Personalized Medicine
Classification: Uncertain significance. Last evaluated: 2017-06-18. Review status: criteria provided, single submitter. Criteria: LMM Criteria. Collection method: clinical testing. Allele origin: germline. Observed: 1 variant allele.
Comment: The p.Arg80Gly variant in USH1C has not been previously reported in individuals with hearing loss, but has been identified in 5/33447 Latino chromosomes and 2/5 466 chromosomes of unspecified ethnicity by the Genome Aggregation Database (gno mAD; dbSNP rs774005703). Although this variant has been seen in the general population, its frequency is not high enough to ru le out a pathogenic role. Computational prediction tools and conservation analys is do not provide strong support for or against an impact to the protein. In sum mary, the clinical significance of the p.Arg80Gly variant is uncertain.

Natera, Inc.
Classification: Uncertain significance for Usher syndrome type 1C. Last evaluated: 2019-11-11. Review status: no assertion criteria provided. Collection method: clinical testing. Allele origin: germline. Not counted in ClinVar's aggregate classification.